The following is an entry in ClinVar:

NM_020911.2(PLXNA4):c.277C>T (p.Pro93Ser)

Gene: PLXNA4 (plexin A4; minus strand). Cytogenetic location: 7q32.3.
Variant type: single nucleotide variant.
Coding change: c.277C>T on transcript NM_020911.2 (MANE Select); coding-DNA position 277, C replaced by T.
Protein change: p.Pro93Ser; replaces proline 93 with serine.
Molecular consequence: missense variant.
Genome position (GRCh38, 1-based): chr7:132,508,417, G>A on the plus strand (C>T on the coding strand, the complement: PLXNA4 is on the minus strand). VCF-style: chr7-132508417-G-A. GRCh37 (hg19) VCF-style: chr7-132193176-G-A.
Other names: c.277C>T, p.Pro93Ser (NM_001105543.2, NM_001393897.1, NM_181775.4); short protein forms P93S.
Identifiers: ClinVar variation 4989486 (VCV004989486.1).

ClinVar aggregate classification (germline): Uncertain significance (1 of 4 stars; one submission).

Conditions:
PLXNA4-related disorder. Also called: PLXNA4-related condition.

Submission:

PreventionGenetics, part of Exact Sciences
Classification: Uncertain significance for PLXNA4-related condition. Last evaluated: 2025-05-27. Review status: criteria provided, single submitter. Criteria: ACMG Guidelines, 2015. Collection method: clinical testing. Allele origin: germline.
Comment: The PLXNA4 c.277C>T variant is predicted to result in the amino acid substitution p.Pro93Ser. To our knowledge, this variant has not been reported in the literature or in a large population database (gnomAD), indicating this variant is rare. At this time, the clinical significance of this variant is uncertain due to the absence of conclusive functional and genetic evidence.